The following is an entry in ClinVar:

ClinVar aggregate classification (germline): Pathogenic/Likely pathogenic. Review status: criteria provided, multiple submitters, no conflicts (2 of 4 stars). 4 submissions from 4 submitters: Pathogenic (2); Likely pathogenic (2). Last evaluated 2025-08-16.

Conditions:
USH2A-related disorder. Also called: USH2A-related condition; USH2A-related disorders. Identifiers: MedGen CN239332.
Retinitis pigmentosa 39 (RP39). Identifiers: Orphanet 791, MedGen C3151138, MONDO:0013436, OMIM 613809.

Allele frequency attached by ClinVar (database versions not stated): gnomAD exomes below 0.00001.
gnomAD v4.1: 1 of 1,613,658 alleles (0.000062%); highest among the groups gnomAD compares: Non-Finnish European, 0.000085%; no homozygotes.

Submissions (4):

Myriad Genetics, Inc.
Classification: Pathogenic for USH2A-related disorder. Last evaluated: 2025-08-16. Review status: criteria provided, single submitter. Criteria: Myriad Autosomal Dominant, Autosomal Recessive and X-Linked Classification Criteria (2023). Collection method: clinical testing. Allele origin: unknown.
Comment: NM_206933.2(USH2A):c.10998C>A(C3666*) is expected to be pathogenic in the context of USH2A-related disorders. This variant is predicted to lead to an abnormal or absent protein product due to the creation of a premature termination codon in USH2A, a gene where loss-of-function variants are known to be pathogenic. Please note: this variant was assessed in the context of healthy population screening.

Genome-Nilou Lab
Classification: Likely pathogenic for Retinitis pigmentosa 39. Last evaluated: 2023-11-04. Review status: criteria provided, single submitter. Criteria: ACMG Guidelines, 2015. Collection method: clinical testing. Allele origin: germline. Affected: no.

Labcorp Genetics (formerly Invitae), Labcorp
Classification: Pathogenic. Last evaluated: 2022-09-16. Review status: criteria provided, single submitter. Criteria: Invitae Variant Classification Sherloc (09022015). Collection method: clinical testing. Allele origin: germline.
Comment: ClinVar contains an entry for this variant (Variation ID: 866748). For these reasons, this variant has been classified as Pathogenic. This variant has not been reported in the literature in individuals affected with USH2A-related conditions. This sequence change creates a premature translational stop signal (p.Cys3666*) in the USH2A gene. It is expected to result in an absent or disrupted protein product. Loss-of-function variants in USH2A are known to be pathogenic (PMID: 10729113, 10909849, 20507924, 25649381). This variant is not present in population databases (gnomAD no frequency).

Blueprint Genetics
Classification: Likely pathogenic for USH2A-related disorders. Last evaluated: 2018-03-21. Review status: criteria provided, single submitter. Criteria: ACMG Guidelines, 2015. Collection method: clinical testing. Allele origin: germline. Affected: yes. Observed: 1 variant allele.

Literature cited by the submitters: PubMed 10729113 (cited by Labcorp Genetics (formerly Invitae), Labcorp); PubMed 10909849 (cited by Labcorp Genetics (formerly Invitae), Labcorp); PubMed 20507924 (cited by Labcorp Genetics (formerly Invitae), Labcorp); PubMed 25649381 (cited by Labcorp Genetics (formerly Invitae), Labcorp).

NM_206933.4(USH2A):c.10998C>A (p.Cys3666Ter)

Gene: USH2A (usherin; minus strand). Cytogenetic location: 1q41.
Variant type: single nucleotide variant.
Coding change: c.10998C>A on transcript NM_206933.4 (MANE Select); coding-DNA position 10998, C replaced by A.
Protein change: p.Cys3666Ter; replaces cysteine 3666 with a stop codon.
Molecular consequence: nonsense.
Genome position (GRCh38, 1-based): chr1:215,766,730, G>T on the plus strand (C>A on the coding strand, the complement: USH2A is on the minus strand). VCF-style: chr1-215766730-G-T. GRCh37 (hg19) VCF-style: chr1-215940072-G-T.
Other names: short protein forms C3666*.
Identifiers: ClinVar variation 866748 (VCV000866748.9), dbSNP rs1661140054, ClinGen allele CA344827092.